The following is an entry in ClinVar:

ClinVar aggregate classification (germline): Uncertain significance (1 of 4 stars; one submission).

Conditions:
Cystic fibrosis (CF). Also called: MUCOVISCIDOSIS. Identifiers: Orphanet 586, MedGen C0010674, MONDO:0009061, OMIM 219700. Disease mechanism: loss of function.

Allele frequency attached by ClinVar (database versions not stated): TOPMed below 0.00001.

Submission:

Ambry Genetics
Classification: Uncertain significance for Cystic fibrosis. Last evaluated: 2024-02-04. Review status: criteria provided, single submitter. Criteria: Ambry Variant Classification Scheme 2023. Collection method: clinical testing. Allele origin: germline.
Comment: The p.I1002T variant (also known as c.3005T>C), located in coding exon 19 of the CFTR gene, results from a T to C substitution at nucleotide position 3005. The isoleucine at codon 1002 is replaced by threonine, an amino acid with similar properties. This amino acid position is conserved. In addition, the in silico prediction for this alteration is inconclusive. Since supporting evidence is limited at this time, the clinical significance of this alteration remains unclear.

NM_000492.4(CFTR):c.3005T>C (p.Ile1002Thr)

Genes: CFTR (CF transmembrane conductance regulator; plus strand), CFTR-AS2 (CFTR antisense RNA 2; minus strand), LOC111674472 (DNase I hypersensitive sites in introns 16 and 17a of CFTR; plus strand). Cytogenetic location: 7q31.2.
Variant type: single nucleotide variant.
Coding change: c.3005T>C on transcript NM_000492.4 (MANE Select); coding-DNA position 3005, T replaced by C.
Protein change: p.Ile1002Thr; replaces isoleucine 1002 with threonine.
Molecular consequence: missense variant.
Genome position (GRCh38, 1-based): chr7:117,610,535, T>C. VCF-style: chr7-117610535-T-C. GRCh37 (hg19) VCF-style: chr7-117250589-T-C.
Other names: short protein forms I1002T.
Identifiers: ClinVar variation 1798739 (VCV001798739.2), dbSNP rs1792366365, ClinGen allele CA368990346.